The following is an entry in ClinVar:

NM_022552.5(DNMT3A):c.1718A>G (p.Gln573Arg)

Gene: DNMT3A (DNA methyltransferase 3 alpha; minus strand). Cytogenetic location: 2p23.3.
Variant type: single nucleotide variant.
Coding change: c.1718A>G on transcript NM_022552.5 (MANE Select); coding-DNA position 1718, A replaced by G.
Protein change: p.Gln573Arg; replaces glutamine 573 with arginine.
Molecular consequence: missense variant. On other transcripts: non-coding transcript variant (1).
Genome position (GRCh38, 1-based): chr2:25,244,288, T>C on the plus strand (A>G on the coding strand, the complement: DNMT3A is on the minus strand). VCF-style: chr2-25244288-T-C. GRCh37 (hg19) VCF-style: chr2-25467157-T-C.
Other names: c.1262A>G, p.Gln421Arg (NM_001320893.1); c.1049A>G, p.Gln350Arg (NM_001375819.1); c.1151A>G, p.Gln384Arg (NM_153759.3); c.1718A>G, p.Gln573Arg (NM_175629.2); short protein forms Q384R, Q421R, Q350R, Q573R.
Identifiers: ClinVar variation 4617739 (VCV004617739.1).

ClinVar aggregate classification (germline): Uncertain significance (1 of 4 stars; one submission).

Conditions:
Inborn genetic diseases. Identifiers: MedGen C0950123, MeSH D030342.

Submission:

Ambry Genetics
Classification: Uncertain significance for Inborn genetic diseases. Last evaluated: 2025-09-19. Review status: criteria provided, single submitter. Criteria: Ambry Variant Classification Scheme 2023. Collection method: clinical testing. Allele origin: germline.
Comment: The p.Q573R variant (also known as c.1718A>G), located in coding exon 14 of the DNMT3A gene, results from an A to G substitution at nucleotide position 1718. The glutamine at codon 573 is replaced by arginine, an amino acid with highly similar properties. This amino acid position is conserved. In addition, this alteration is predicted to be tolerated by in silico analysis. Based on the available evidence, the clinical significance of this variant remains unclear.